The following is an entry in ClinVar:

NM_000481.4(AMT):c.534_535dup (p.Leu179fs)

Gene: AMT (aminomethyltransferase; minus strand). Cytogenetic location: 3p21.31.
Variant type: Duplication.
Coding change: c.534_535dup on transcript NM_000481.4 (MANE Select); coding-DNA positions 534 to 535, 2 bases duplicated (CC; older notation c.534_535dupCC).
Protein change: p.Leu179fs; shifts the reading frame from leucine 179.
Molecular consequence: frameshift variant. On other transcripts: non-coding transcript variant (1).
Genome position (GRCh38, 1-based): chr3:49,419,725-49,419,726, GG duplicated on the plus strand (CC on the coding strand, the reverse complement: AMT is on the minus strand); duplicating any 2 consecutive bases within chr3:49,419,725-49,419,727 gives the same sequence; the c. name uses the placement nearest the transcript's 3' end. VCF-style (leftmost placement, unchanged base first): chr3-49419724-A-AGG. GRCh37 (hg19) VCF-style: chr3-49457157-A-AGG.
Other names: c.402_403dup, p.Leu135fs (NM_001164710.2); c.366_367dup, p.Leu123fs (NM_001164711.2); c.534_535dup, p.Leu179fs (NM_001164712.2); c.534_535dupCC (NM_000481.3); short protein forms L179fs, L135fs, L123fs.
Identifiers: ClinVar variation 2203394 (VCV002203394.5), dbSNP rs386833685, ClinGen allele CA2580070119.

ClinVar aggregate classification (germline): Pathogenic/Likely pathogenic. Review status: criteria provided, multiple submitters, no conflicts (2 of 4 stars). 2 submissions from 2 submitters: Pathogenic (1); Likely pathogenic (1). Last evaluated 2024-04-10.

Conditions:
Glycine encephalopathy. Also called: Nonketotic hyperglycinemia; Non-ketotic hyperglycinemia. Identifiers: Orphanet 407, MedGen C0751748, MONDO:0011612, HP:0008288.

Submissions (2):

Natera, Inc.
Classification: Likely pathogenic for Non-ketotic hyperglycinemia. Last evaluated: 2024-04-10. Review status: criteria provided, single submitter. Criteria: Natera Variant Classification Schema (03/2026). Collection method: clinical testing. Allele origin: germline.
Comment: The c.534_535dupCC variant in AMT is a frameshift variant predicted to shift the reading frame beginning at codon 179 and leads to a stop codon 3 codons downstream. This variant is expected to result in nonsense mediated decay, truncation, or a dysfunctional protein product. This variant is rare in the general population with a frequency below the threshold expected for the associated phenotype(s). Given the available evidence, this variant is classified as Likely Pathogenic.

Labcorp Genetics (formerly Invitae), Labcorp
Classification: Pathogenic for Glycine encephalopathy. Last evaluated: 2023-12-18. Review status: criteria provided, single submitter. Criteria: Invitae Variant Classification Sherloc (09022015). Collection method: clinical testing. Allele origin: germline.
Comment: This sequence change creates a premature translational stop signal (p.Leu179Profs*3) in the AMT gene. It is expected to result in an absent or disrupted protein product. Loss-of-function variants in AMT are known to be pathogenic (PMID: 16450403). This variant is not present in population databases (gnomAD no frequency). This premature translational stop signal has been observed in individual(s) with glycine encephalopathy (PMID: 27362913). ClinVar contains an entry for this variant (Variation ID: 2203394). Algorithms developed to predict the effect of sequence changes on RNA splicing suggest that this variant may disrupt the consensus splice site. For these reasons, this variant has been classified as Pathogenic.

Literature cited by the submitters: PubMed 16450403 (cited by Labcorp Genetics (formerly Invitae), Labcorp); PubMed 27362913 (cited by Labcorp Genetics (formerly Invitae), Labcorp).